The following is an entry in ClinVar:

NM_002430.3(MN1):c.2864C>G (p.Pro955Arg)

Gene: MN1 (MN1 proto-oncogene, transcriptional regulator; minus strand). Cytogenetic location: 22q12.1.
Variant type: single nucleotide variant.
Coding change: c.2864C>G on transcript NM_002430.3 (MANE Select); coding-DNA position 2864, C replaced by G.
Protein change: p.Pro955Arg; replaces proline 955 with arginine.
Molecular consequence: missense variant.
Genome position (GRCh38, 1-based): chr22:27,797,680, G>C on the plus strand (C>G on the coding strand, the complement: MN1 is on the minus strand). VCF-style: chr22-27797680-G-C. GRCh37 (hg19) VCF-style: chr22-28193668-G-C.
Other names: short protein forms P955R.
Identifiers: ClinVar variation 4538610 (VCV004538610.1).

ClinVar aggregate classification (germline): Uncertain significance (1 of 4 stars; one submission).

Submission:

GeneDx
Classification: Uncertain significance. Last evaluated: 2025-06-16. Review status: criteria provided, single submitter. Criteria: GeneDx Variant Classification Process June 2021. Collection method: clinical testing. Allele origin: germline. Affected: yes.
Comment: Not observed at significant frequency in large population cohorts (gnomAD); In silico analysis supports that this missense variant has a deleterious effect on protein structure/function; Has not been previously published as pathogenic or benign to our knowledge